The following is an entry in ClinVar:

NM_201631.4(TGM5):c.1629G>A (p.Leu543=)

Gene: TGM5 (transglutaminase 5; minus strand). Cytogenetic location: 15q15.2.
Variant type: single nucleotide variant.
Coding change: c.1629G>A on transcript NM_201631.4 (MANE Select); coding-DNA position 1629, G replaced by A.
Protein change: p.Leu543=; no amino-acid change (leucine 543 retained).
Molecular consequence: synonymous variant.
Genome position (GRCh38, 1-based): chr15:43,235,554, C>T on the plus strand (G>A on the coding strand, the complement: TGM5 is on the minus strand). VCF-style: chr15-43235554-C-T. GRCh37 (hg19) VCF-style: chr15-43527752-C-T.
Other names: c.1383G>A, p.Leu461= (NM_004245.4).
Identifiers: ClinVar variation 4981309 (VCV004981309.1).

ClinVar aggregate classification (germline): Likely benign (1 of 4 stars; one submission).

Conditions:
TGM5-related disorder. Also called: TGM5-related condition.

gnomAD v4.1: 4 of 1,614,040 alleles (0.00025%); highest among the groups gnomAD compares: Admixed American, 0.0017%; no homozygotes.

Submission:

PreventionGenetics, part of Exact Sciences
Classification: Likely benign for TGM5-related condition. Last evaluated: 2026-03-25. Review status: criteria provided, single submitter. Criteria: ACMG Guidelines, 2015. Collection method: clinical testing. Allele origin: germline.
Comment: This variant is classified as likely benign based on ACMG/AMP sequence variant interpretation guidelines (Richards et al. 2015 PMID: 25741868, with internal and published modifications).